The following is an entry in ClinVar:

NM_001048174.2(MUTYH):c.1452G>T (p.Gln484His)

Gene: MUTYH (mutY DNA glycosylase; minus strand). Cytogenetic location: 1p34.1.
Variant type: single nucleotide variant.
Coding change: c.1452G>T on transcript NM_001048174.2 (MANE Select); coding-DNA position 1452, G replaced by T.
Protein change: p.Gln484His; replaces glutamine 484 with histidine.
Molecular consequence: missense variant. On other transcripts: non-coding transcript variant (7).
Genome position (GRCh38, 1-based): chr1:45,329,420, C>A on the plus strand (G>T on the coding strand, the complement: MUTYH is on the minus strand). VCF-style: chr1-45329420-C-A. GRCh37 (hg19) VCF-style: chr1-45795092-C-A.
Other names: c.1452G>T, p.Gln484His (NM_001048171.2, NM_001048173.2, NM_001293195.2 and 6 more transcripts); c.1455G>T, p.Gln485His (NM_001048172.2, NM_001407071.1, NM_001407078.1 and 1 more transcripts); c.1536G>T, p.Gln512His (NM_001128425.2); c.1497G>T, p.Gln499His (NM_001293190.2); c.1485G>T, p.Gln495His (NM_001293191.2, NM_001407069.1, NM_001407077.1); c.1176G>T, p.Gln392His (NM_001293192.2, NM_001293196.2, NM_001407091.1); c.1107G>T, p.Gln369His (NM_001350650.2, NM_001350651.2, NM_001407082.1); c.1368G>T, p.Gln456His (NM_001407075.1); and 5 more; short protein forms Q369H, Q456H, Q470H, Q484H, Q499H, Q509H, Q512H, Q392H.
Identifiers: ClinVar variation 4113339 (VCV004113339.1).

ClinVar aggregate classification (germline): Uncertain significance (1 of 4 stars; one submission).

Conditions:
Hereditary cancer-predisposing syndrome. Also called: Tumor predisposition; Neoplastic Syndromes, Hereditary; Hereditary neoplastic syndrome; Hereditary Cancer Syndrome. Identifiers: Orphanet 140162, MedGen C0027672, MeSH D009386, MONDO:0015356.

Submission:

Ambry Genetics
Classification: Uncertain significance for Hereditary cancer-predisposing syndrome. Last evaluated: 2025-08-27. Review status: criteria provided, single submitter. Criteria: Ambry Variant Classification Scheme 2023. Collection method: clinical testing. Allele origin: germline.
Comment: The p.Q512H variant (also known as c.1536G>T), located in coding exon 16 of the MUTYH gene, results from a G to T substitution at nucleotide position 1536. The glutamine at codon 512 is replaced by histidine, an amino acid with highly similar properties. This amino acid position is conserved. In addition, this alteration is predicted to be tolerated by in silico analysis. Based on the available evidence, the clinical significance of this variant remains unclear.